The following is an entry in ClinVar:

NM_001199107.2(TBC1D24):c.1316T>A (p.Val439Glu)

Gene: TBC1D24 (TBC1 domain family member 24; plus strand). Cytogenetic location: 16p13.3.
Variant type: single nucleotide variant.
Coding change: c.1316T>A on transcript NM_001199107.2 (MANE Select); coding-DNA position 1316, T replaced by A.
Protein change: p.Val439Glu; replaces valine 439 with glutamic acid.
Molecular consequence: missense variant.
Genome position (GRCh38, 1-based): chr16:2,500,281, T>A. VCF-style: chr16-2500281-T-A. GRCh37 (hg19) VCF-style: chr16-2550282-T-A.
Other names: c.1298T>A, p.Val433Glu (NM_020705.3); short protein forms V433E, V439E.
Identifiers: ClinVar variation 4812444 (VCV004812444.1).

ClinVar aggregate classification (germline): Uncertain significance (1 of 4 stars; one submission).

Conditions:
Autosomal dominant nonsyndromic hearing loss 65. Also called: Deafness, autosomal dominant 65; TBC1D24-Related Autosomal Dominant Nonsyndromic Hearing Loss (DFNA). Identifiers: Orphanet 90635, MedGen C3892048, MONDO:0014470, OMIM 616044.
Developmental and epileptic encephalopathy, 1 (DEE1). Also called: INFANTILE SPASM SYNDROME, X-LINKED 1; X-linked infantile spasms; West's syndrome; Tonic spasms with clustering, arrest of psychomotor development and hypsarrhythmia on EEG; X-Linked Infantile Spasm Syndrome; OHTAHARA SYNDROME, X-LINKED. Identifiers: MedGen C3463992, MONDO:0010632, OMIM 308350. Disease mechanism: loss of function.

gnomAD v4.1: 1 of 1,606,104 alleles (0.000062%); highest among the groups gnomAD compares: Non-Finnish European, 0.000085%; no homozygotes.

Submission:

Labcorp Genetics (formerly Invitae), Labcorp
Classification: Uncertain significance for Developmental and epileptic encephalopathy, 1; Autosomal dominant nonsyndromic hearing loss 65. Last evaluated: 2025-12-16. Review status: criteria provided, single submitter. Criteria: Invitae Variant Classification Sherloc (09022015). Collection method: clinical testing. Allele origin: germline.
Comment: This sequence change replaces valine, which is neutral and non-polar, with glutamic acid, which is acidic and polar, at codon 439 of the TBC1D24 protein (p.Val439Glu). This variant is not present in population databases (gnomAD no frequency). This variant has not been reported in the literature in individuals affected with TBC1D24-related conditions. Invitae Evidence Modeling of protein sequence and biophysical properties (such as structural, functional, and spatial information, amino acid conservation, physicochemical variation, residue mobility, and thermodynamic stability) indicates that this missense variant is not expected to disrupt TBC1D24 protein function with a negative predictive value of 80%. In summary, the available evidence is currently insufficient to determine the role of this variant in disease. Therefore, it has been classified as a Variant of Uncertain Significance.